The following is an entry in ClinVar:

NM_000455.5(STK11):c.1012G>A (p.Val338Met)

Genes: STK11 (serine/threonine kinase 11; plus strand), LOC130062899 (ATAC-STARR-seq lymphoblastoid active region 13597; plus strand). Cytogenetic location: 19p13.3.
Variant type: single nucleotide variant.
Coding change: c.1012G>A on transcript NM_000455.5 (MANE Select); coding-DNA position 1012, G replaced by A.
Protein change: p.Val338Met; replaces valine 338 with methionine.
Molecular consequence: missense variant.
Genome position (GRCh38, 1-based): chr19:1,223,076, G>A. VCF-style: chr19-1223076-G-A. GRCh37 (hg19) VCF-style: chr19-1223075-G-A.
Other names: short protein forms V338M.
Identifiers: ClinVar variation 142198 (VCV000142198.39), dbSNP rs587782302, ClinGen allele CA022150.

ClinVar aggregate classification (germline): Conflicting classifications of pathogenicity. Review status: criteria provided, conflicting classifications (1 of 4 stars). 16 submissions from 16 submitters: Uncertain significance (9); Benign (1); Likely benign (4). 2 of the submissions do not count toward it. Last evaluated 2026-02-06.

Conditions:
STK11-related disorder. Also called: STK11-related condition.
Carcinoma of pancreas. Also called: Pancreatic cancer, somatic; Exocrine pancreatic carcinoma; PANCREATIC ACINAR CARCINOMA; PANCREATIC CARCINOMA; Pancreatic carcinoma, somatic. Identifiers: Orphanet 1333, Orphanet 217074, MedGen C0235974, MONDO:0005192. Disease mechanism: loss of function.
Malignant tumor of testis. Also called: Testicular cancer. Identifiers: MedGen C0153594, MONDO:0005447.
Peutz-Jeghers syndrome (PJS). Also called: Peutz-Jeghers polyposis; Periorificial lentiginosis syndrome; POLYPOSIS, HAMARTOMATOUS INTESTINAL; POLYPS-AND-SPOTS SYNDROME. Identifiers: Orphanet 2869, MedGen C0031269, MeSH D010580, MONDO:0008280, OMIM 175200.
Hereditary cancer-predisposing syndrome. Also called: Tumor predisposition; Neoplastic Syndromes, Hereditary; Hereditary neoplastic syndrome; Hereditary Cancer Syndrome. Identifiers: Orphanet 140162, MedGen C0027672, MeSH D009386, MONDO:0015356.
Familial adenomatous polyposis 2. Also called: MYH-associated polyposis; COLORECTAL ADENOMATOUS POLYPOSIS, AUTOSOMAL RECESSIVE; ADENOMAS, MULTIPLE COLORECTAL, AUTOSOMAL RECESSIVE; FAP type 2; MUTYH-related attenuated familial adenomatous polyposis; MUTYH-associated polyposis. Identifiers: Orphanet 220460, Orphanet 247798, MedGen C3272841, MONDO:0012041, OMIM 608456.
Generalized juvenile polyposis/juvenile polyposis coli. Also called: Juvenile polyposis coli. Identifiers: Orphanet 329971, MedGen C1868081, MONDO:0008276.

Allele frequency attached by ClinVar (database versions not stated): gnomAD 0.00001; gnomAD exomes 0.00002 and 0.00003; TOPMed 0.00002; ExAC 0.00004.
gnomAD v4.1: 46 of 1,608,392 alleles (0.0029%); highest among the groups gnomAD compares: Non-Finnish European, 0.0032%; no homozygotes.

Submissions 1 to 12 of 16:

Women's Health and Genetics/Laboratory Corporation of America, LabCorp
Classification: Likely benign. Last evaluated: 2026-02-06. Review status: criteria provided, single submitter. Criteria: LabCorp Variant Classification Summary - May 2015. Collection method: clinical testing. Allele origin: germline.
Comment: Variant summary: STK11 c.1012G>A (p.Val338Met) results in a conservative amino acid change in the encoded protein sequence. Algorithms developed to predict the effect of missense changes on protein structure and function are either unavailable or do not agree on the potential impact of this missense change. The variant allele was found at a frequency of 2.9e-05 in 1608392 control chromosomes. The observed variant frequency exceeds the estimated maximal expected allele frequency for disease-causing variants in STK11. c.1012G>A has been observed in at least one individual affected with colorectal cancer, however they also harbored a pathogenic variant in BRCA2 which may explain the phenotype (Yurgelun_2017). This report does not provide unequivocal conclusions about association of the variant with Hereditary Breast And Ovarian Cancer Syndrome or other STK11-related conditions. To our knowledge, no experimental evidence demonstrating an impact on protein function has been reported. The following publication has been ascertained in the context of this evaluation (PMID: 28135145). ClinVar contains an entry for this variant (Variation ID: 142198). Based on the evidence outlined above, the variant was classified as likely benign.

Labcorp Genetics (formerly Invitae), Labcorp
Classification: Benign for Peutz-Jeghers syndrome. Last evaluated: 2026-01-13. Review status: criteria provided, single submitter. Criteria: Invitae Variant Classification Sherloc (09022015). Collection method: clinical testing. Allele origin: germline.

Quest Diagnostics Nichols Institute San Juan Capistrano
Classification: Uncertain significance. Last evaluated: 2025-09-05. Review status: criteria provided, single submitter. Criteria: Quest Diagnostics criteria. Collection method: clinical testing. Allele origin: unknown.
Comment: The STK11 c.1012G>A (p.Val338Met) variant has been reported in the published literature in individuals with breast cancer (PMID: 33471991 (2021), see also LOVD) and colorectal cancer (PMID: 28135145 (2017)). The frequency of this variant in the general population (Genome Aggregation Database) is uninformative in the assessment of its pathogenicity. Analysis of this variant using bioinformatics tools for the prediction of the effect of amino acid changes on protein structure and function yielded predictions that this variant is benign. Based on the available information, we are unable to determine the clinical significance of this variant.

PreventionGenetics, part of Exact Sciences
Classification: Uncertain significance for STK11-related condition. Last evaluated: 2025-08-19. Review status: criteria provided, single submitter. Criteria: ACMG Guidelines, 2015. Collection method: clinical testing. Allele origin: germline.
Comment: The STK11 c.1012G>A variant is predicted to result in the amino acid substitution p.Val338Met. This variant was reported in an individual with colorectal cancer (Table A4, Yurgelun et al. 2017. PubMed ID: 28135145). This variant is reported in 0.020% of alleles in individuals of Ashkenazi Jewish descent in gnomAD. This variant has interpretations ranging from benign to uncertain significance in ClinVar (Variation ID: 142198). Although we suspect that this variant may be benign, at this time, the clinical significance of this variant is uncertain due to the absence of conclusive functional and genetic evidence.

Blueprint Genetics
Classification: Likely benign. Last evaluated: 2024-05-02. Review status: criteria provided, single submitter. Criteria: ACMG Guidelines, 2015. Collection method: clinical testing. Allele origin: germline.

All of Us Research Program, National Institutes of Health
Classification: Uncertain significance for Peutz-Jeghers syndrome. Last evaluated: 2024-04-25. Review status: criteria provided, single submitter. Criteria: ACMG Guidelines, 2015. Collection method: clinical testing. Allele origin: germline. Inheritance: Autosomal dominant inheritance. Observed: 9 variant alleles, 9 heterozygotes.
Comment: This missense variant replaces valine with methionine at codon 338 of the STK11 protein. Computational prediction suggests that this variant may not impact protein structure and function (internally defined REVEL score threshold <= 0.5, PMID: 27666373). To our knowledge, functional studies have not been reported for this variant. This variant has been reported in an individual affected with colorectal cancer (PMID: 28135145). This variant has been identified in 5/238888 chromosomes in the general population by the Genome Aggregation Database (gnomAD). The available evidence is insufficient to determine the role of this variant in disease conclusively. Therefore, this variant is classified as a Variant of Uncertain Significance.

This study involves interpretation of variants in research participants for the purpose of population health screening. Participant phenotype was not available at the time of variant classification. Additional details can be found in publication PMID: 35346344, PMCID: PMC8962531

Color Diagnostics, LLC DBA Color Health
Classification: Uncertain significance for Hereditary cancer-predisposing syndrome. Last evaluated: 2024-04-12. Review status: criteria provided, single submitter. Criteria: ACMG Guidelines, 2015. Collection method: clinical testing. Allele origin: germline.
Comment: This missense variant replaces valine with methionine at codon 338 of the STK11 protein. Computational prediction suggests that this variant may not impact protein structure and function. To our knowledge, functional studies have not been reported for this variant. This variant has been reported in an individual affected with colorectal cancer (PMID: 28135145). This variant has been identified in 5/238888 chromosomes in the general population by the Genome Aggregation Database (gnomAD). The available evidence is insufficient to determine the role of this variant in disease conclusively. Therefore, this variant is classified as a Variant of Uncertain Significance.

Myriad Genetics, Inc.
Classification: Uncertain significance for Peutz-Jeghers syndrome. Last evaluated: 2023-04-14. Review status: criteria provided, single submitter. Criteria: Myriad Autosomal Dominant, Autosomal Recessive and X-Linked Classification Criteria (2023). Collection method: clinical testing. Allele origin: unknown.
Comment: This variant is classified as a variant of uncertain significance as there is insufficient evidence to determine its impact on protein function and/or cancer risk.

Sema4
Classification: Uncertain significance for Hereditary cancer-predisposing syndrome. Last evaluated: 2022-01-19. Review status: criteria provided, single submitter. Criteria: Sema4 Curation Guidelines. Collection method: curation. Allele origin: germline.
Comment: The STK11 c.1012G>A (p.V338M) variant has been reported in a breast cancer case-control analysis in 4/60466 cases and was absent in 53461 controls (PMID: 33471991). It was also seen in a patient with colorectal cancer who also carried a pathogenic BRCA2 variant (PMID: 28135145). This variant was observed in 2/9802 chromosomes in the Ashkenazi Jewish subpopulation in the large and broad cohorts of the Genome Aggregation Database (PMID: 32461654). The variant has been reported in ClinVar (Variation ID 142198). Functional studies have not been performed, and in silico predictions of the variant's effect on protein function are inconclusive. The evidence is insufficient to meet ACMG/AMP criteria for classifying the variant as benign or pathogenic. Thus, the clinical significance of this variant is currently uncertain.

Ambry Genetics
Classification: Likely benign for Hereditary cancer-predisposing syndrome. Last evaluated: 2022-01-04. Review status: criteria provided, single submitter. Criteria: Ambry Variant Classification Scheme 2023. Collection method: clinical testing. Allele origin: germline.

Laboratorio de Genetica e Diagnostico Molecular, Hospital Israelita Albert Einstein
Classification: Uncertain significance for Familial adenomatous polyposis 2. Last evaluated: 2021-09-26. Review status: criteria provided, single submitter. Criteria: ACMG Guidelines, 2015. Collection method: clinical testing. Allele origin: germline. Affected: yes.
Comment: ACMG classification criteria: PM2 moderate, BP4 supporting

Genome-Nilou Lab
Classification: Uncertain significance for Peutz-Jeghers syndrome. Last evaluated: 2021-07-15. Review status: criteria provided, single submitter. Criteria: ACMG Guidelines, 2015. Collection method: clinical testing. Allele origin: germline. Affected: no.